The following is an entry in ClinVar:

ClinVar aggregate classification (germline): Conflicting classifications of pathogenicity. Review status: criteria provided, conflicting classifications (1 of 4 stars). 4 submissions from 4 submitters: Uncertain significance (3); Likely benign (1). Last evaluated 2026-09-21.

Conditions:
Hereditary sensory and autonomic neuropathy type 1 (HSAN1). Also called: HSAN 1; HSN Type I; Hereditary Sensory Neuropathy Type I. Identifiers: Orphanet 36386, MedGen C0020071, MONDO:0018213.
Inborn genetic diseases. Identifiers: MedGen C0950123, MeSH D030342.
Charcot-Marie-Tooth disease. Also called: Charcot-Marie-Tooth Neuropathy; Charcot-Marie-Tooth Hereditary Neuropathy. Identifiers: Orphanet 166, MedGen C0007959, MONDO:0015626.
SPTLC1-related disorder. Also called: SPTLC1-related condition.

Allele frequency attached by ClinVar (database versions not stated): gnomAD 0.00008 and 0.00009; gnomAD exomes 0.00006; TOPMed 0.00008; ESP Exome Variant Server 0.00015; ExAC 0.00006.
gnomAD v4.1: 106 of 1,613,844 alleles (0.0066%); highest among the groups gnomAD compares: Non-Finnish European, 0.0086%; no homozygotes.

Submissions (4):

PreventionGenetics, part of Exact Sciences
Classification: Uncertain significance for SPTLC1-related condition. Last evaluated: 2026-09-21. Review status: criteria provided, single submitter. Criteria: ACMG Guidelines, 2015. Collection method: clinical testing. Allele origin: germline.
Comment: The SPTLC1 c.1168C>T variant is predicted to result in the amino acid substitution p.Leu390Phe. This variant has been reported once in a cohort of individuals with Charcot-Marie-Tooth disease (Supplementary Table 2, Volodarsky et al. 2021. PubMed ID: 32376792). This variant is reported in 0.012% of alleles in individuals of European (Non-Finnish) descent in gnomAD. At this time, the clinical significance of this variant is uncertain due to the absence of conclusive functional and genetic evidence.

Labcorp Genetics (formerly Invitae), Labcorp
Classification: Uncertain significance for Hereditary sensory and autonomic neuropathy type 1. Last evaluated: 2025-12-24. Review status: criteria provided, single submitter. Criteria: Invitae Variant Classification Sherloc (09022015). Collection method: clinical testing. Allele origin: germline.
Comment: This sequence change replaces leucine, which is neutral and non-polar, with phenylalanine, which is neutral and non-polar, at codon 390 of the SPTLC1 protein (p.Leu390Phe). This variant is present in population databases (rs369803886, gnomAD 0.01%). This missense change has been observed in individual(s) with Charcot-Marie-Tooth disease (PMID: 32376792). ClinVar contains an entry for this variant (Variation ID: 651220). Invitae Evidence Modeling of protein sequence and biophysical properties (such as structural, functional, and spatial information, amino acid conservation, physicochemical variation, residue mobility, and thermodynamic stability) indicates that this missense variant is not expected to disrupt SPTLC1 protein function with a negative predictive value of 80%. In summary, the available evidence is currently insufficient to determine the role of this variant in disease. Therefore, it has been classified as a Variant of Uncertain Significance.

Ambry Genetics
Classification: Likely benign for Inborn genetic diseases. Last evaluated: 2020-11-17. Review status: criteria provided, single submitter. Criteria: Ambry Variant Classification Scheme 2023. Collection method: clinical testing. Allele origin: germline.

Molecular Genetics Laboratory, London Health Sciences Centre
Classification: Uncertain significance for Charcot-Marie-Tooth disease. Review status: criteria provided, single submitter. Criteria: ACMG Guidelines, 2015. Collection method: clinical testing. Allele origin: germline. Affected: yes.

Literature cited by the submitters: PubMed 32376792 (cited by Labcorp Genetics (formerly Invitae), Labcorp).

NM_006415.4(SPTLC1):c.1168C>T (p.Leu390Phe)

Gene: SPTLC1 (serine palmitoyltransferase long chain base subunit 1; minus strand). Cytogenetic location: 9q22.31.
Variant type: single nucleotide variant.
Coding change: c.1168C>T on transcript NM_006415.4 (MANE Select); coding-DNA position 1168, C replaced by T.
Protein change: p.Leu390Phe; replaces leucine 390 with phenylalanine.
Molecular consequence: missense variant.
Genome position (GRCh38, 1-based): chr9:92,038,334, G>A on the plus strand (C>T on the coding strand, the complement: SPTLC1 is on the minus strand). VCF-style: chr9-92038334-G-A. GRCh37 (hg19) VCF-style: chr9-94800616-G-A.
Other names: c.1168C>T, p.Leu390Phe (NM_001281303.2); c.802C>T, p.Leu268Phe (NM_001368272.1); c.703C>T, p.Leu235Phe (NM_001368273.1); short protein forms L235F, L390F, L268F.
Identifiers: ClinVar variation 651220 (VCV000651220.10), dbSNP rs369803886, ClinGen allele CA5121287.